The following is an entry in ClinVar:

ClinVar aggregate classification (germline): Uncertain significance (1 of 4 stars; one submission).

Submission:

GeneDx
Classification: Uncertain significance. Last evaluated: 2019-09-24. Review status: criteria provided, single submitter. Criteria: GeneDx Variant Classification Process June 2021. Collection method: clinical testing. Allele origin: germline. Affected: yes.
Comment: Not observed in large population cohorts (Lek et al., 2016); In silico analysis, which includes protein predictors and evolutionary conservation, supports that this variant does not alter protein structure/function; Has not been previously published as pathogenic or benign to our knowledge

NM_002609.4(PDGFRB):c.3295G>A (p.Ala1099Thr)

Gene: PDGFRB (platelet derived growth factor receptor beta; minus strand). Cytogenetic location: 5q32.
Variant type: single nucleotide variant.
Coding change: c.3295G>A on transcript NM_002609.4 (MANE Select); coding-DNA position 3295, G replaced by A.
Protein change: p.Ala1099Thr; replaces alanine 1099 with threonine.
Molecular consequence: missense variant.
Genome position (GRCh38, 1-based): chr5:150,115,789, C>T on the plus strand (G>A on the coding strand, the complement: PDGFRB is on the minus strand). VCF-style: chr5-150115789-C-T. GRCh37 (hg19) VCF-style: chr5-149495352-C-T.
Other names: c.3103G>A, p.Ala1035Thr (NM_001355016.2); c.2812G>A, p.Ala938Thr (NM_001355017.2); short protein forms A1035T, A1099T, A938T.
Identifiers: ClinVar variation 1312455 (VCV001312455.2), dbSNP rs2113879949, ClinGen allele CA361751557.